The following is an entry in ClinVar:

NM_002693.3(POLG):c.3306G>C (p.Gln1102His)

Gene: POLG (DNA polymerase gamma, catalytic subunit; minus strand). Cytogenetic location: 15q26.1.
Variant type: single nucleotide variant.
Coding change: c.3306G>C on transcript NM_002693.3 (MANE Select); coding-DNA position 3306, G replaced by C.
Protein change: p.Gln1102His; replaces glutamine 1102 with histidine.
Molecular consequence: missense variant.
Genome position (GRCh38, 1-based): chr15:89,318,717, C>G on the plus strand (G>C on the coding strand, the complement: POLG is on the minus strand). VCF-style: chr15-89318717-C-G. GRCh37 (hg19) VCF-style: chr15-89861948-C-G.
Other names: c.3306G>C, p.Gln1102His (NM_001126131.2); short protein forms Q1102H.
Identifiers: ClinVar variation 619435 (VCV000619435.1), dbSNP rs1336274767, ClinGen allele CA10602268.
Genomic context (GRCh38, chr15:89,318,717, plus strand): 5'-CTCTTCAAACAGCCACTTCATGGCCACAAGCATGAGGTGTAAGTAGTCAACAGCAGAGCT[C>G]TGTACCACCCAATTCACACGGCTGGTCATAAACTGGGAAGGGAAGGTGGGCAGAGGTGAA-3'
Protein context (NP_002684.1, residues 1092-1112): FMTSRVNWVV[Gln1102His]SSAVDYLHLM

ClinVar aggregate classification (germline): Uncertain significance (1 of 4 stars; one submission).

Conditions:
Progressive sclerosing poliodystrophy (MTDPS4A). Also called: Alpers-Huttenlocher Syndrome (AHS); Alpers Syndrome; ALPERS PROGRESSIVE INFANTILE POLIODYSTROPHY; Mitochondrial DNA depletion syndrome 4A (Alpers type); ALPERS DIFFUSE DEGENERATION OF CEREBRAL GRAY MATTER WITH HEPATIC CIRRHOSIS; Alpers-Huttenlocher Syndrome. Identifiers: Orphanet 726, MedGen C0205710, MONDO:0008758, OMIM 203700.

Submission:

Wong Mito Lab, Molecular and Human Genetics, Baylor College of Medicine
Classification: Uncertain significance for Progressive sclerosing poliodystrophy. Last evaluated: 2018-10-01. Review status: criteria provided, single submitter. Criteria: ACMG Guidelines, 2015. Collection method: clinical testing. Allele origin: germline.
Comment: The NM_002693.2:c.3306G>C (NP_002684.1:p.Gln1102His) [GRCH38: NC_000015.10:g.89318717C>G] variant in POLG gene is interpretated to be a Uncertain Significance based on ACMG guidelines (PMID: 25741868). This variant meets the following evidence codes reported in the ACMG-guideline. PM2:This variant is absent in key population databases. PP3:Computational evidence/predictors indicate the variant has deleterious effect on POLG structure, function, or protein-protein interaction. Based on the evidence criteria codes applied, the variant is suggested to be Uncertain Significance.